The following is an entry in ClinVar:

NM_003705.5(SLC25A12):c.320C>T (p.Thr107Ile)

Gene: SLC25A12 (solute carrier family 25 member 12; minus strand). Cytogenetic location: 2q31.1.
Variant type: single nucleotide variant.
Coding change: c.320C>T on transcript NM_003705.5 (MANE Select); coding-DNA position 320, C replaced by T.
Protein change: p.Thr107Ile; replaces threonine 107 with isoleucine.
Molecular consequence: missense variant.
Genome position (GRCh38, 1-based): chr2:171,855,839, G>A on the plus strand (C>T on the coding strand, the complement: SLC25A12 is on the minus strand). VCF-style: chr2-171855839-G-A. GRCh37 (hg19) VCF-style: chr2-172712349-G-A.
Other names: short protein forms T107I.
Identifiers: ClinVar variation 2037091 (VCV002037091.4), dbSNP rs2545255388, ClinGen allele CA349631904.
Genomic context (GRCh38, chr2:171,855,839, plus strand): 5'-TGAAGACTGGACCAGCATCATTAACTTATCACTTATAATCTTCTTTTTCCCTTACCAAAT[G>A]TCACCTCTCCATTTCCACTCTTGTCAAACAACTGGAAAGCCACTATGAACATGGAATCTG-3'
Protein context (NP_003696.2, residues 97-117): LFDKSGNGEV[Thr107Ile]FENVKEIFGQ

ClinVar aggregate classification (germline): Uncertain significance (1 of 4 stars; one submission).

Submission:

Labcorp Genetics (formerly Invitae), Labcorp
Classification: Uncertain significance. Last evaluated: 2021-12-08. Review status: criteria provided, single submitter. Criteria: Invitae Variant Classification Sherloc (09022015). Collection method: clinical testing. Allele origin: germline.
Comment: This sequence change replaces threonine, which is neutral and polar, with isoleucine, which is neutral and non-polar, at codon 107 of the SLC25A12 protein (p.Thr107Ile). This variant is not present in population databases (gnomAD no frequency). This variant has not been reported in the literature in individuals affected with SLC25A12-related conditions. Algorithms developed to predict the effect of missense changes on protein structure and function are either unavailable or do not agree on the potential impact of this missense change (SIFT: "Deleterious"; PolyPhen-2: "Benign"; Align-GVGD: "Class C0"). In summary, the available evidence is currently insufficient to determine the role of this variant in disease. Therefore, it has been classified as a Variant of Uncertain Significance.